The following is an entry in ClinVar:

NM_003470.3(USP7):c.1579G>A (p.Val527Ile)

Gene: USP7 (ubiquitin specific peptidase 7; minus strand). Cytogenetic location: 16p13.2.
Variant type: single nucleotide variant.
Coding change: c.1579G>A on transcript NM_003470.3 (MANE Select); coding-DNA position 1579, G replaced by A.
Protein change: p.Val527Ile; replaces valine 527 with isoleucine.
Molecular consequence: missense variant.
Genome position (GRCh38, 1-based): chr16:8,904,560, C>T on the plus strand (G>A on the coding strand, the complement: USP7 is on the minus strand). VCF-style: chr16-8904560-C-T. GRCh37 (hg19) VCF-style: chr16-8998417-C-T.
Other names: c.1531G>A, p.Val511Ile (NM_001286457.2); c.1282G>A, p.Val428Ile (NM_001286458.2); c.1405G>A, p.Val469Ile (NM_001321858.2); short protein forms V428I, V469I, V511I, V527I.
Identifiers: ClinVar variation 3363615 (VCV003363615.1).

ClinVar aggregate classification (germline): Uncertain significance (1 of 4 stars; one submission).

Submission:

GeneDx
Classification: Uncertain significance. Last evaluated: 2023-10-30. Review status: criteria provided, single submitter. Criteria: GeneDx Variant Classification Process June 2021. Collection method: clinical testing. Allele origin: germline. Affected: yes.
Comment: Not observed at significant frequency in large population cohorts (gnomAD); In silico analysis supports that this missense variant does not alter protein structure/function; Has not been previously published as pathogenic or benign to our knowledge